The following is an entry in ClinVar:

ClinVar aggregate classification (germline): Uncertain significance. Review status: criteria provided, multiple submitters, no conflicts (2 of 4 stars). 2 submissions from 2 submitters: Uncertain significance (2). Last evaluated 2024-04-02.

Conditions:
Charcot-Marie-Tooth disease type 2. Also called: Charcot-Marie-Tooth type 2. Identifiers: Orphanet 64746, MedGen C0270914, MONDO:0018993.

Submissions (2):

Mayo Clinic Laboratories, Mayo Clinic
Classification: Uncertain significance. Last evaluated: 2024-04-02. Review status: criteria provided, single submitter. Criteria: ACMG Guidelines, 2015. Collection method: clinical testing. Allele origin: germline. Observed: 1 variant allele.
Comment: PP3

Labcorp Genetics (formerly Invitae), Labcorp
Classification: Uncertain significance for Charcot-Marie-Tooth disease type 2. Last evaluated: 2024-02-29. Review status: criteria provided, single submitter. Criteria: Invitae Variant Classification Sherloc (09022015). Collection method: clinical testing. Allele origin: germline.
Comment: This sequence change replaces alanine, which is neutral and non-polar, with serine, which is neutral and polar, at codon 328 of the MFN2 protein (p.Ala328Ser). This variant is present in population databases (rs771900151, gnomAD 0.003%). This variant has not been reported in the literature in individuals affected with MFN2-related conditions. Advanced modeling of protein sequence and biophysical properties (such as structural, functional, and spatial information, amino acid conservation, physicochemical variation, residue mobility, and thermodynamic stability) performed at Invitae indicates that this missense variant is expected to disrupt MFN2 protein function with a positive predictive value of 95%. In summary, the available evidence is currently insufficient to determine the role of this variant in disease. Therefore, it has been classified as a Variant of Uncertain Significance.

NM_014874.4(MFN2):c.982G>T (p.Ala328Ser)

Gene: MFN2 (mitofusin 2; plus strand). Cytogenetic location: 1p36.22.
Variant type: single nucleotide variant.
Coding change: c.982G>T on transcript NM_014874.4 (MANE Select); coding-DNA position 982, G replaced by T.
Protein change: p.Ala328Ser; replaces alanine 328 with serine.
Molecular consequence: missense variant.
Genome position (GRCh38, 1-based): chr1:12,001,780, G>T. VCF-style: chr1-12001780-G-T. GRCh37 (hg19) VCF-style: chr1-12061837-G-T.
Other names: p.Ala328Ser; c.982G>T, p.Ala328Ser (NM_001127660.2); short protein forms A328S.
Identifiers: ClinVar variation 3380803 (VCV003380803.3).
Genomic context (GRCh38, chr1:12,001,780, plus strand): 5'-TCCTCTGCTGCCAAGTTGTTTCTGGACTAATGCAGTACAATCCTCCTAGGGGGCGCTCTC[G>T]CAGAAGGCTTTCAAGTGAGGATGTTTGAGTTTCAGAATTTTGAGAGGAGATTTGAGGTGA-3'
Protein context (NP_055689.1, residues 318-338): QGMPEGGGAL[Ala328Ser]EGFQVRMFEF